The following is an entry in ClinVar:

ClinVar aggregate classification (germline): Pathogenic. Review status: criteria provided, multiple submitters, no conflicts (2 of 4 stars). 2 submissions from 2 submitters: Pathogenic (2). Last evaluated 2026-01-31.

Conditions:
Junctional epidermolysis bullosa gravis of Herlitz. Also called: EPIDERMOLYSIS BULLOSA, JUNCTIONAL 1B, SEVERE; EPIDERMOLYSIS BULLOSA JUNCTIONALIS, HERLITZ TYPE; Epidermolysis Bullosa Letalis; EPIDERMOLYSIS BULLOSA, JUNCTIONAL, HERLITZ-PEARSON TYPE; JEB-HERLITZ TYPE; Herlitz-type junctional epidermolysis bullosa. Identifiers: Orphanet 79404, MedGen C0079683, MONDO:0009182, OMIM 226700.
Junctional epidermolysis bullosa, non-Herlitz type. Also called: EPIDERMOLYSIS BULLOSA, JUNCTIONAL 1A, INTERMEDIATE; EPIDERMOLYSIS BULLOSA JUNCTIONALIS, DISENTIS TYPE; EPIDERMOLYSIS BULLOSA JUNCTIONALIS, NON-HERLITZ TYPE; EPIDERMOLYSIS BULLOSA JUNCTIONALIS, PROGRESSIVE; Adult junctional epidermolysis bullosa; COL17A1-Related Junctional Epidermolysis Bullosa. Identifiers: Orphanet 251393, Orphanet 79402, Orphanet 79405, Orphanet 89840, MedGen C0268374, MONDO:0009180, OMIM 226650.
Amelogenesis imperfecta type 1A. Also called: Amelogenesis imperfecta local hypoplastic; Amelogenesis imperfecta, hypoplastic type; Amelogenesis imperfecta, type IA; AMELOGENESIS IMPERFECTA, HYPOPLASTIC TYPE IA. Identifiers: Orphanet 88661, MedGen C4011403, MONDO:0007094, OMIM 104530.

Submissions (2):

Labcorp Genetics (formerly Invitae), Labcorp
Classification: Pathogenic. Last evaluated: 2026-01-31. Review status: criteria provided, single submitter. Criteria: Invitae Variant Classification Sherloc (09022015). Collection method: clinical testing. Allele origin: germline.
Comment: This sequence change creates a premature translational stop signal (p.Ile706*) in the LAMB3 gene. It is expected to result in an absent or disrupted protein product. Loss-of-function variants in LAMB3 are known to be pathogenic (PMID: 11023379, 16473856). This variant is present in population databases (rs756743929, gnomAD 0.01%). This variant has not been reported in the literature in individuals affected with LAMB3-related conditions. ClinVar contains an entry for this variant (Variation ID: 2420300). For these reasons, this variant has been classified as Pathogenic.

Fulgent Genetics
Classification: Pathogenic for Amelogenesis imperfecta type 1A; Junctional epidermolysis bullosa, non-Herlitz type; Junctional epidermolysis bullosa gravis of Herlitz. Last evaluated: 2024-04-26. Review status: criteria provided, single submitter. Criteria: ACMG Guidelines, 2015. Collection method: clinical testing. Allele origin: germline.

Literature cited by the submitters: PubMed 11023379 (cited by Labcorp Genetics (formerly Invitae), Labcorp); PubMed 16473856 (cited by Labcorp Genetics (formerly Invitae), Labcorp).

NM_000228.3(LAMB3):c.2116del (p.Lys705_Ile706insTer)

Gene: LAMB3 (laminin subunit beta 3; minus strand). Cytogenetic location: 1q32.2.
Variant type: Deletion.
Coding change: c.2116del on transcript NM_000228.3 (MANE Select); coding-DNA position 2116, one base deleted (A; older notation c.2116delA).
Protein change: p.Lys705_Ile706insTer.
Molecular consequence: nonsense.
Genome position (GRCh38, 1-based): chr1:209,623,861, T deleted on the plus strand (A on the coding strand, the reverse complement: LAMB3 is on the minus strand); the first of 6 consecutive T bases (chr1:209,623,861-209,623,866); deleting any one gives the same sequence. VCF-style (leftmost placement, unchanged base first): chr1-209623860-AT-A. GRCh37 (hg19) VCF-style: chr1-209797205-AT-A.
Other names: c.2116del, p.Lys705_Ile706insTer (NM_001017402.2, NM_001127641.1).
Identifiers: ClinVar variation 2420300 (VCV002420300.7), dbSNP rs756743929, ClinGen allele CA1375381.